The following is an entry in ClinVar:

ClinVar aggregate classification (germline): Uncertain significance (1 of 4 stars; one submission).

Conditions:
Intellectual developmental disorder with speech delay, autism, and dysmorphic facies. Identifiers: MedGen C5231456, MONDO:0032864, OMIM 618672.

Submission:

Institute of Human Genetics, University of Leipzig Medical Center
Classification: Uncertain significance for Intellectual developmental disorder with speech delay, autism, and dysmorphic facies. Last evaluated: 2024-08-16. Review status: criteria provided, single submitter. Criteria: ACMG Guidelines, 2015. Collection method: clinical testing. Allele origin: de novo. Inheritance: Autosomal dominant inheritance. Affected: yes.
Comment: Criteria applied: PM2,PP3, PS2_MOD

NM_014516.4(CNOT3):c.26-7T>A

Gene: CNOT3 (CCR4-NOT transcription complex subunit 3; plus strand). Cytogenetic location: 19q13.42.
Variant type: single nucleotide variant.
Coding change: c.26-7T>A on transcript NM_014516.4 (MANE Select); 7 bases into the intron before coding-DNA position 26, T replaced by A.
Molecular consequence: intron variant.
Genome position (GRCh38, 1-based): chr19:54,143,112, T>A. VCF-style: chr19-54143112-T-A. GRCh37 (hg19) VCF-style: chr19-54646848-T-A.
Identifiers: ClinVar variation 3359063 (VCV003359063.3).
Genomic context (GRCh38, chr19:54,143,112, plus strand): 5'-TGAGGACTGCTCTTTAGATACCTGCCACCTGGGCAGGATTCTCACAGCCTTGTTCCTCCC[T>A]GGCCAGGTGAGATTGATCGCTGCCTCAAGAAGGTGTCCGAGGGCGTGGAGCAGTTTGAAG-3'